The following is an entry in ClinVar:

ClinVar aggregate classification (germline): Uncertain significance (1 of 4 stars; one submission).

Allele frequency attached by ClinVar (database versions not stated): gnomAD exomes 0.00001; ExAC 0.00002.
gnomAD v4.1: 10 of 1,600,654 alleles (0.00062%); highest among the groups gnomAD compares: South Asian, 0.0099%; no homozygotes.

Submission:

Labcorp Genetics (formerly Invitae), Labcorp
Classification: Uncertain significance. Last evaluated: 2022-08-08. Review status: criteria provided, single submitter. Criteria: Invitae Variant Classification Sherloc (09022015). Collection method: clinical testing. Allele origin: germline.
Comment: In summary, the available evidence is currently insufficient to determine the role of this variant in disease. Therefore, it has been classified as a Variant of Uncertain Significance. Advanced modeling of protein sequence and biophysical properties (such as structural, functional, and spatial information, amino acid conservation, physicochemical variation, residue mobility, and thermodynamic stability) performed at Invitae indicates that this missense variant is expected to disrupt CPLANE1 protein function. This variant has not been reported in the literature in individuals affected with CPLANE1-related conditions. This variant is present in population databases (rs750933570, gnomAD 0.02%). This sequence change replaces threonine, which is neutral and polar, with isoleucine, which is neutral and non-polar, at codon 2561 of the CPLANE1 protein (p.Thr2561Ile).

NM_001384732.1(CPLANE1):c.7682C>T (p.Thr2561Ile)

Gene: CPLANE1 (ciliogenesis and planar polarity effector complex subunit 1; minus strand). Cytogenetic location: 5p13.2.
Variant type: single nucleotide variant.
Coding change: c.7682C>T on transcript NM_001384732.1 (MANE Select); coding-DNA position 7682, C replaced by T.
Protein change: p.Thr2561Ile; replaces threonine 2561 with isoleucine.
Molecular consequence: missense variant.
Genome position (GRCh38, 1-based): chr5:37,162,473, G>A on the plus strand (C>T on the coding strand, the complement: CPLANE1 is on the minus strand). VCF-style: chr5-37162473-G-A. GRCh37 (hg19) VCF-style: chr5-37162575-G-A.
Other names: c.7682C>T, p.Thr2561Ile (NM_023073.4); short protein forms T2561I.
Identifiers: ClinVar variation 2112645 (VCV002112645.4), dbSNP rs750933570, ClinGen allele CA3237983.